The following is an entry in ClinVar:

ClinVar aggregate classification (germline): Uncertain significance (1 of 4 stars; one submission).

Conditions:
RTEL1-related disorder. Also called: RTEL1-related disorders; RTEL1-related condition.

gnomAD v4.1: 2 of 1,613,768 alleles (0.00012%); highest among the groups gnomAD compares: Admixed American, 0.0017%; no homozygotes.

Submission:

PreventionGenetics, part of Exact Sciences
Classification: Uncertain significance for RTEL1-related condition. Last evaluated: 2025-10-14. Review status: criteria provided, single submitter. Criteria: ACMG Guidelines, 2015. Collection method: clinical testing. Allele origin: germline.
Comment: The RTEL1 c.1A>T variant is predicted to disrupt the translation initiation site (Start loss). This variant corresponds to c.742A>T (p.Met248Leu) in an alternate transcript for this gene (NM_032957.4). To our knowledge, this variant has not been reported in the literature or in a large population database (gnomAD), indicating this variant is rare. At this time, the clinical significance of this variant is uncertain due to the absence of conclusive functional and genetic evidence.

NM_001283009.2(RTEL1):c.670A>T (p.Met224Leu)

Genes: RTEL1 (regulator of telomere elongation helicase 1; plus strand), RTEL1-TNFRSF6B (RTEL1-TNFRSF6B readthrough (NMD candidate); plus strand). Cytogenetic location: 20q13.33.
Variant type: single nucleotide variant.
Coding change: c.670A>T on transcript NM_001283009.2 (MANE Select); coding-DNA position 670, A replaced by T.
Protein change: p.Met224Leu; replaces methionine 224 with leucine.
Molecular consequence: missense variant. On other transcripts: non-coding transcript variant (1), initiator codon variant (1).
Genome position (GRCh38, 1-based): chr20:63,667,524, A>T. VCF-style: chr20-63667524-A-T. GRCh37 (hg19) VCF-style: chr20-62298877-A-T.
Other names: c.1A>T, p.Met1Leu (NM_001283010.1); c.670A>T, p.Met224Leu (NM_016434.4); c.742A>T, p.Met248Leu (NM_032957.5); short protein forms M248L, M1L, M224L.
Identifiers: ClinVar variation 4980470 (VCV004980470.1).
Genomic context (GRCh38, chr20:63,667,524, plus strand): 5'-CCCAGGGTGTGCCCTTACTACCTGTCCCGGAACCTGAAGCAGCAAGCCGACATCATATTC[A>T]TGCCGTACAATTACTTGTTGGATGCCAAGGTGGGGGCTCAGTCCTGTAGCTGACGACTCC-3'
Protein context (NP_001269938.1, residues 214-234): NLKQQADIIF[Met224Leu]PYNYLLDAKS